The following is an entry in ClinVar:

ClinVar aggregate classification (germline): Uncertain significance (1 of 4 stars; one submission).

Allele frequency attached by ClinVar (database versions not stated): gnomAD 0.00001; gnomAD exomes 0.00001 and 0.00002; TOPMed 0.00002.
gnomAD v4.1: 33 of 1,613,830 alleles (0.002%); highest among the groups gnomAD compares: Non-Finnish European, 0.0027%; no homozygotes.

Submission:

Labcorp Genetics (formerly Invitae), Labcorp
Classification: Uncertain significance. Last evaluated: 2022-07-19. Review status: criteria provided, single submitter. Criteria: Invitae Variant Classification Sherloc (09022015). Collection method: clinical testing. Allele origin: germline.
Comment: Algorithms developed to predict the effect of missense changes on protein structure and function (SIFT, PolyPhen-2, Align-GVGD) all suggest that this variant is likely to be tolerated. In summary, the available evidence is currently insufficient to determine the role of this variant in disease. Therefore, it has been classified as a Variant of Uncertain Significance. This variant has not been reported in the literature in individuals affected with WHRN-related conditions. This variant is present in population databases (no rsID available, gnomAD 0.002%). This sequence change replaces serine, which is neutral and polar, with proline, which is neutral and non-polar, at codon 535 of the WHRN protein (p.Ser535Pro).

NM_015404.4(WHRN):c.1603T>C (p.Ser535Pro)

Gene: WHRN (whirlin; minus strand). Cytogenetic location: 9q32.
Variant type: single nucleotide variant.
Coding change: c.1603T>C on transcript NM_015404.4 (MANE Select); coding-DNA position 1603, T replaced by C.
Protein change: p.Ser535Pro; replaces serine 535 with proline.
Molecular consequence: missense variant.
Genome position (GRCh38, 1-based): chr9:114,423,337, A>G on the plus strand (T>C on the coding strand, the complement: WHRN is on the minus strand). VCF-style: chr9-114423337-A-G. GRCh37 (hg19) VCF-style: chr9-117185617-A-G.
Other names: c.454T>C, p.Ser152Pro (NM_001083885.3); c.1603T>C, p.Ser535Pro (NM_001173425.2); c.550T>C, p.Ser184Pro (NM_001346890.1); short protein forms S152P, S184P, S535P.
Identifiers: ClinVar variation 1058812 (VCV001058812.8), dbSNP rs1292972674, ClinGen allele CA374606899.